The following is an entry in ClinVar:

ClinVar aggregate classification (germline): Pathogenic. Review status: criteria provided, multiple submitters, no conflicts (2 of 4 stars). 3 submissions from 3 submitters: Pathogenic (3). Last evaluated 2024-10-04.

Conditions:
Cardiovascular phenotype. Identifiers: MedGen CN230736.
Long QT syndrome (LQTS). Identifiers: MedGen C0023976, MeSH D008133, MONDO:0002442. Disease mechanism: loss of function. Inheritance: Various modes of inheritance.

Submissions (3):

Labcorp Genetics (formerly Invitae), Labcorp
Classification: Pathogenic for Long QT syndrome. Last evaluated: 2024-10-04. Review status: criteria provided, single submitter. Criteria: Invitae Variant Classification Sherloc (09022015). Collection method: clinical testing. Allele origin: germline.
Comment: This sequence change creates a premature translational stop signal (p.Arg894Thrfs*78) in the KCNH2 gene. It is expected to result in an absent or disrupted protein product. Loss-of-function variants in KCNH2 are known to be pathogenic (PMID: 10973849, 19862833). This variant is not present in population databases (gnomAD no frequency). This variant has not been reported in the literature in individuals affected with KCNH2-related conditions. ClinVar contains an entry for this variant (Variation ID: 519378). For these reasons, this variant has been classified as Pathogenic.

Dasa
Classification: Pathogenic. Last evaluated: 2024-08-12. Review status: criteria provided, single submitter. Criteria: DASA Assertion Criteria. Collection method: clinical testing. Allele origin: germline.
Comment: NM_000238.4(KCNH2):c.2680_2686del (p.Arg894Thrfs*78) is a frameshift variant in KCNH2 predicted to alter the reading frame and introduce a premature termination codon and is predicted to result in an absent or altered protein product. Loss of function is an established disease mechanism for KCNH2 (PMID: 18774102; PMID: 24530480). This variant has been reported in individuals with KCNH2-related disorders (PMID: 519378). Also, this variant is absent from population databases. Based on the currently available evidence, this variant is classified as pathogenic.

Ambry Genetics
Classification: Pathogenic for Cardiovascular phenotype. Last evaluated: 2017-01-25. Review status: criteria provided, single submitter. Criteria: Ambry Variant Classification Scheme 2023. Collection method: clinical testing. Allele origin: germline.
Comment: The c.2680_2686delCGCACGG pathogenic mutation, located in coding exon 11 of the KCNH2 gene, results from a deletion of 7 nucleotides at nucleotide positions 2680 to 2686, causing a translational frameshift with a predicted alternate stop codon (p.R894Tfs*78). Translational frameshift alterations in this region have been reported in patients with long QT syndrome (Napolitano C et al. JAMA, 2005 Dec;294:2975-80; Hedley PL et al. Hum. Mutat., 2009 Nov;30:1486-511). This alteration is expected to result in loss of function by premature protein truncation or nonsense-mediated mRNA decay. As such, this alteration is interpreted as a disease-causing mutation.

Literature cited by the submitters: PubMed 10973849 (cited by Labcorp Genetics (formerly Invitae), Labcorp); PubMed 19862833 (cited by Labcorp Genetics (formerly Invitae), Labcorp and Ambry Genetics); PubMed 519378 (cited by Dasa); PubMed 18774102 (cited by Dasa); PubMed 24530480 (cited by Dasa); PubMed 16414944 (cited by Ambry Genetics).

NM_000238.4(KCNH2):c.2680_2686del (p.Arg894fs)

Gene: KCNH2 (potassium voltage-gated channel subfamily H member 2; minus strand). Cytogenetic location: 7q36.1.
Variant type: Deletion.
Coding change: c.2680_2686del on transcript NM_000238.4 (MANE Select); coding-DNA positions 2680 to 2686, 7 bases deleted (CGCACGG; older notation c.2680_2686delCGCACGG).
Protein change: p.Arg894fs; shifts the reading frame from arginine 894.
Molecular consequence: frameshift variant.
Genome position (GRCh38, 1-based): chr7:150,948,450-150,948,456, CCGTGCG deleted on the plus strand (CGCACGG on the coding strand, the reverse complement: KCNH2 is on the minus strand); deleting any 7 consecutive bases within chr7:150,948,450-150,948,458 gives the same sequence; the c. name uses the placement nearest the transcript's 3' end. VCF-style (leftmost placement, unchanged base first): chr7-150948449-TCCGTGCG-T. GRCh37 (hg19) VCF-style: chr7-150645537-TCCGTGCG-T.
Other names: c.1660_1666del, p.Arg554fs (NM_172057.3); c.2680_2686delCGCACGG (NM_000238.3); short protein forms R894fs, R554fs.
Identifiers: ClinVar variation 519378 (VCV000519378.9), dbSNP rs1554424620, ClinGen allele CA658797036.